The following is an entry in ClinVar:

NM_002474.3(MYH11):c.3993G>A (p.Lys1331=)

Genes: MYH11 (myosin heavy chain 11; minus strand), NDE1 (nudE neurodevelopment protein 1; plus strand). Cytogenetic location: 16p13.11.
Variant type: single nucleotide variant.
Coding change: c.3993G>A on transcript NM_002474.3 (MANE Select); coding-DNA position 3993, G replaced by A.
Protein change: p.Lys1331=; no amino-acid change (lysine 1331 retained).
Molecular consequence: synonymous variant. On other transcripts: 3 prime UTR variant (2).
Genome position (GRCh38, 1-based): chr16:15,724,770, C>T on the plus strand (G>A on the coding strand, the complement: MYH11 is on the minus strand). VCF-style: chr16-15724770-C-T. GRCh37 (hg19) VCF-style: chr16-15818627-C-T.
Other names: c.4014G>A, p.Lys1338= (NM_001040113.2, NM_001040114.2); c.3993G>A, p.Lys1331= (NM_022844.3); c.*519C>T (NM_001143979.2, NM_017668.3).
Identifiers: ClinVar variation 3072155 (VCV003072155.1), dbSNP rs2040664831, ClinGen allele CA494088064.

ClinVar aggregate classification (germline): Likely benign (1 of 4 stars; one submission).

Conditions:
Familial thoracic aortic aneurysm and aortic dissection (TAAD). Also called: Thoracic aortic aneurysms and dissections. Identifiers: Orphanet 91387, MedGen C4707243, MONDO:0019625.

Allele frequency attached by ClinVar (database versions not stated): gnomAD 0.00001.
gnomAD v4.1: 1 of 1,613,970 alleles (0.000062%); highest among the groups gnomAD compares: African/African-American, 0.0013%; no homozygotes.

Submission:

All of Us Research Program, National Institutes of Health
Classification: Likely benign for Familial thoracic aortic aneurysm and aortic dissection. Last evaluated: 2023-06-26. Review status: criteria provided, single submitter. Criteria: ACMG Guidelines, 2015. Collection method: clinical testing. Allele origin: germline. Inheritance: Autosomal dominant inheritance. Observed: 1 variant allele, 1 heterozygote.
Comment: This study involves interpretation of variants in research participants for the purpose of population health screening. Participant phenotype was not available at the time of variant classification. Additional details can be found in publication PMID: 35346344, PMCID: PMC8962531